The following is an entry in ClinVar:

ClinVar aggregate classification (germline): Pathogenic (1 of 4 stars; one submission).

Conditions:
Telangiectasia, hereditary hemorrhagic, type 2 (HHT2). Also called: Telangiectasia, hereditary hemorrhagic, type II; ACVRL1-Related Hereditary Hemorrhagic Telangiectasia. Identifiers: Orphanet 774, MedGen C1838163, MONDO:0010880, OMIM 600376. Disease mechanism: loss of function.

Allele frequency attached by ClinVar (database versions not stated): gnomAD exomes below 0.00001.

Submission:

Labcorp Genetics (formerly Invitae), Labcorp
Classification: Pathogenic for Telangiectasia, hereditary hemorrhagic, type 2. Last evaluated: 2019-05-02. Review status: criteria provided, single submitter. Criteria: Invitae Variant Classification Sherloc (09022015). Collection method: clinical testing. Allele origin: germline.
Comment: This sequence change creates a premature translational stop signal (p.Ala352Valfs*2) in the ACVRL1 gene. It is expected to result in an absent or disrupted protein product. This variant is not present in population databases (ExAC no frequency). This variant has not been reported in the literature in individuals with ACVRL1-related conditions. Loss-of-function variants in ACVRL1 are known to be pathogenic (PMID: 15879500). For these reasons, this variant has been classified as Pathogenic.

Literature cited by the submitters: PubMed 15879500.

NM_000020.3(ACVRL1):c.1055del (p.Ala352fs)

Gene: ACVRL1 (activin A receptor like type 1; plus strand). Cytogenetic location: 12q13.13.
Variant type: Deletion.
Coding change: c.1055del on transcript NM_000020.3 (MANE Select); coding-DNA position 1055, one base deleted (C; older notation c.1055delC).
Protein change: p.Ala352fs; shifts the reading frame from alanine 352.
Molecular consequence: frameshift variant.
Genome position (GRCh38, 1-based): chr12:51,916,042, C deleted. VCF-style (leftmost placement, unchanged base first): chr12-51916041-GC-G. GRCh37 (hg19) VCF-style: chr12-52309825-GC-G.
Other names: c.1055del, p.Ala352fs (NM_001077401.2); short protein forms A352fs.
Identifiers: ClinVar variation 838622 (VCV000838622.7), dbSNP rs1940830552, ClinGen allele CA916081670.
Genomic context (GRCh38, chr12:51,916,041, plus strand): 5'-CCCCTGGATCCCAGGTTTGGGAGAGGGGCAGGAGTGACAGGCCTCACCCCCACAGGCCTG[GC>G]TGTGATGCACTCACAGGGCAGCGATTACCTGGACATCGGCAACAACCCGAGAGTGGGCAC-3'